The following is an entry in ClinVar:

NM_001378969.1(KCND3):c.1574T>G (p.Met525Arg)

Gene: KCND3 (potassium voltage-gated channel subfamily D member 3; minus strand). Cytogenetic location: 1p13.2.
Variant type: single nucleotide variant.
Coding change: c.1574T>G on transcript NM_001378969.1 (MANE Select); coding-DNA position 1574, T replaced by G.
Protein change: p.Met525Arg; replaces methionine 525 with arginine.
Molecular consequence: missense variant.
Genome position (GRCh38, 1-based): chr1:111,777,218, A>C on the plus strand (T>G on the coding strand, the complement: KCND3 is on the minus strand). VCF-style: chr1-111777218-A-C. GRCh37 (hg19) VCF-style: chr1-112319840-A-C.
Other names: c.1517T>G, p.Met506Arg (NM_001378970.1, NM_172198.3); c.1574T>G, p.Met525Arg (NM_004980.5); short protein forms M506R, M525R.
Identifiers: ClinVar variation 1462653 (VCV001462653.8), dbSNP rs1338355211, ClinGen allele CA341657292.

ClinVar aggregate classification (germline): Uncertain significance (1 of 4 stars; one submission).

Conditions:
Spinocerebellar ataxia type 19/22 (SCA19). Also called: SPINOCEREBELLAR ATAXIA 19; SPINOCEREBELLAR ATAXIA 22. Identifiers: Orphanet 98772, MedGen C1846367, MONDO:0011819, OMIM 607346.

Submission:

Labcorp Genetics (formerly Invitae), Labcorp
Classification: Uncertain significance for Spinocerebellar ataxia type 19/22. Last evaluated: 2020-12-30. Review status: criteria provided, single submitter. Criteria: Invitae Variant Classification Sherloc (09022015). Collection method: clinical testing. Allele origin: germline.
Comment: This variant has not been reported in the literature in individuals with KCND3-related conditions. This variant is not present in population databases (ExAC no frequency). Algorithms developed to predict the effect of missense changes on protein structure and function are either unavailable or do not agree on the potential impact of this missense change (SIFT: "Deleterious"; PolyPhen-2: "Benign"; Align-GVGD: "Class C0"). This sequence change replaces methionine with arginine at codon 525 of the KCND3 protein (p.Met525Arg). The methionine residue is moderately conserved and there is a moderate physicochemical difference between methionine and arginine. In summary, the available evidence is currently insufficient to determine the role of this variant in disease. Therefore, it has been classified as a Variant of Uncertain Significance.